The following is an entry in ClinVar:

ClinVar aggregate classification (germline): Likely benign (0 of 4 stars; one submission).

Conditions:
FAM98C-related disorder. Also called: FAM98C-related condition.

Allele frequency attached by ClinVar (database versions not stated): gnomAD exomes 0.00021; ExAC 0.00063; gnomAD 0.00197; TOPMed 0.00202; ESP Exome Variant Server 0.00235; 1000 Genomes Project 0.00280; 1000 Genomes Project 30x 0.00312.
gnomAD v4.1: 610 of 1,614,128 alleles (0.038%); highest among the groups gnomAD compares: African/African-American, 0.75%; 1 homozygote.

Submission:

PreventionGenetics, part of Exact Sciences
Classification: Likely benign for FAM98C-related condition. Last evaluated: 2019-04-05. Review status: no assertion criteria provided. Collection method: clinical testing. Allele origin: germline.
Comment: This variant is classified as likely benign based on ACMG/AMP sequence variant interpretation guidelines (Richards et al. 2015 PMID: 25741868, with internal and published modifications).

NM_174905.4(TSLIG3C):c.631T>C (p.Trp211Arg)

Gene: TSLIG3C (tRNA splicing ligase complex subunit 3C; plus strand). Cytogenetic location: 19q13.2.
Variant type: single nucleotide variant.
Coding change: c.631T>C on transcript NM_174905.4 (MANE Select); coding-DNA position 631, T replaced by C.
Protein change: p.Trp211Arg; replaces tryptophan 211 with arginine.
Molecular consequence: missense variant. On other transcripts: intron variant (1).
Genome position (GRCh38, 1-based): chr19:38,405,419, T>C. VCF-style: chr19-38405419-T-C. GRCh37 (hg19) VCF-style: chr19-38896059-T-C.
Other names: c.556-100T>C (NM_001351675.1); short protein forms W211R.
Identifiers: ClinVar variation 3034905 (VCV003034905.2), dbSNP rs75686841, ClinGen allele CA9414939.
Genomic context (GRCh38, chr19:38,405,419, plus strand): 5'-CCTTCTCTGCCCCCAGGGTCCCTGCAGCCCCTCCTCAGCTGCTCGCTAGATGCACCCAGA[T>C]GGGTAAGACTGTGTGCGACTGACTGAATGTGAACTGTGTCCTCATCAGAGGTGGCAGTGA-3'
Protein context (NP_777565.3, residues 201-221): LLSCSLDAPR[Trp211Arg]EALESLSQSL